The following is an entry in ClinVar:

NM_003722.5(TP63):c.1012C>T (p.Arg338Cys)

Gene: TP63 (tumor protein p63; plus strand). Cytogenetic location: 3q28.
Variant type: single nucleotide variant.
Coding change: c.1012C>T on transcript NM_003722.5 (MANE Select); coding-DNA position 1012, C replaced by T.
Protein change: p.Arg338Cys; replaces arginine 338 with cysteine.
Molecular consequence: missense variant.
Genome position (GRCh38, 1-based): chr3:189,868,599, C>T. VCF-style: chr3-189868599-C-T. GRCh37 (hg19) VCF-style: chr3-189586388-C-T.
Other names: c.1012C>T, p.Arg338Cys (NM_001114978.2, NM_001114979.2, NM_001329144.2 and 1 more transcripts); c.730C>T, p.Arg244Cys (NM_001114980.2, NM_001114981.2, NM_001114982.2 and 2 more transcripts); c.475C>T, p.Arg159Cys (NM_001329146.2, NM_001329150.2); c.1006C>T, p.Arg336Cys (NM_001329964.2); short protein forms R159C, R244C, R336C, R338C.
Identifiers: ClinVar variation 1344645 (VCV001344645.3), dbSNP rs1404019220, ClinGen allele CA355755128.
Genomic context (GRCh38, chr3:189,868,599, plus strand): 5'-TTTGAATTTAACTCTTTCTTCCCCTTTATTCTAATTCCTAGTGGGCAAGTCCTGGGCCGA[C>T]GCTGCTTTGAGGCCCGGATCTGTGCTTGCCCAGGAAGAGACAGGAAGGCGGATGAAGATA-3'
Protein context (NP_003713.3, residues 328-348): ETRDGQVLGR[Arg338Cys]CFEARICACP

ClinVar aggregate classification (germline): Uncertain significance. Review status: criteria provided, single submitter (1 of 4 stars). 2 submissions from 2 submitters: Uncertain significance (1). 1 of the submissions does not count toward it.

Conditions:
Limb-mammary syndrome (LMS). Also called: Mammary hypoplasia, ectrodactyly, and other hand/foot anomalies. Identifiers: Orphanet 69085, MedGen C1863753, MONDO:0011334, OMIM 603543.
Ectrodactyly, ectodermal dysplasia, and cleft lip-palate syndrome 3. Also called: Ectrodactyly, Ectodermal Dysplasia, Clefting Syndrome; Ectrodactyly, Ectodermal Dysplasia, Clefting Syndrome Type 3 (EEC3); Ectrodactyly, Ectodermal Dysplasia, Cleft Lip/Palate Syndrome 3 (EEC3); EEC SYNDROME 3. Identifiers: Orphanet 1896, MedGen C1858562, MONDO:0011428, OMIM 604292.
Orofacial cleft 8. Also called: Cleft lip with or without cleft palate, nonsyndromic, 8. Identifiers: MedGen C1851878, MONDO:0029145, OMIM 618149.
ADULT syndrome. Also called: Acro-dermato-ungual-lacrimal-tooth (adult) syndrome; Acro-Dermo-Ungual-Lacrimal-Tooth Syndrome (ADULT Syndrome); ACRO-DERMATO-UNGUAL-LACRIMAL-TOOTH SYNDROME. Identifiers: Orphanet 978, MedGen C1863204, MONDO:0007072, OMIM 103285.
Ankyloblepharon-ectodermal defects-cleft lip/palate syndrome. Also called: HAY-WELLS SYNDROME; Hay-Wells syndrome of ectodermal dysplasia; Ankyloblepharon-ectodermal defects, cleft lip/palate; Ankyloblepharon-Ectodermal Defects-Cleft Lip/Palate Syndrome (AEC Syndrome); AEC SYNDROME. Identifiers: Orphanet 1071, MedGen C0406709, MONDO:0007124, OMIM 106260.
Rapp-Hodgkin syndrome (RHS). Also called: Rapp-Hodgkin ectodermal dysplasia syndrome; Isolated Cleft Lip/Cleft Palate (Orofacial Cleft 8); ECTODERMAL DYSPLASIA, ANHIDROTIC, WITH CLEFT LIP/PALATE. Identifiers: MedGen C1785148, MONDO:0007508, OMIM 129400.
Split hand-foot malformation 4. Also called: Split-Hand/Foot Malformation Type 4 (SHFM4 syndrome); Split-Hand/Foot Malformation Type 4 (SHFM4). Identifiers: Orphanet 2440, MedGen C1854442, MONDO:0011535, OMIM 605289.
Premature ovarian failure 21 (POF21). Identifiers: MedGen C5830399, MONDO:0957216, OMIM 620311.

Allele frequency attached by ClinVar (database versions not stated): gnomAD exomes below 0.00001; TOPMed below 0.00001.
gnomAD v4.1: 5 of 1,614,074 alleles (0.00031%); highest among the groups gnomAD compares: Non-Finnish European, 0.00042%; no homozygotes.

Submissions (2):

Juno Genomics, Hangzhou Juno Genomics, Inc
Classification: Uncertain significance for Split hand-foot malformation 4; Premature ovarian failure 21; ADULT syndrome; Ectrodactyly, ectodermal dysplasia, and cleft lip-palate syndrome 3; Ankyloblepharon-ectodermal defects-cleft lip/palate syndrome; Limb-mammary syndrome; Orofacial cleft 8; Rapp-Hodgkin syndrome. Review status: criteria provided, single submitter. Criteria: ACMG Guidelines, 2015. Collection method: clinical testing. Allele origin: germline.
Comment: Absent from controls (or at extremely low frequency if recessive) in Genome Aggregation Database.;Missense variant in a gene that has a low rate of benign missense variation.;Multiple lines of computational evidence support a deleterious effect on the gene or gene product.

Yale Center for Mendelian Genomics, Yale University
Classification: Likely pathogenic for Ectrodactyly, ectodermal dysplasia, and cleft lip-palate syndrome 3. Last evaluated: 2019-01-17. Review status: no assertion criteria provided. Collection method: literature only. Allele origin: germline. Affected: yes. Observed: 1 heterozygote. Study: Yale Center for Mendelian Genomics. Not counted in ClinVar's aggregate classification.

Literature cited by the submitters: PubMed 30655312 (cited by Yale Center for Mendelian Genomics, Yale University).